The following is an entry in ClinVar:

NM_005184.4(CALM3):c.178+66T>C

Gene: CALM3 (calmodulin 3; plus strand). Cytogenetic location: 19q13.32.
Variant type: single nucleotide variant.
Coding change: c.178+66T>C on transcript NM_005184.4 (MANE Select); 66 bases into the intron after coding-DNA position 178, T replaced by C.
Molecular consequence: intron variant.
Genome position (GRCh38, 1-based): chr19:46,608,406, T>C. VCF-style: chr19-46608406-T-C. GRCh37 (hg19) VCF-style: chr19-47111663-T-C.
Other names: c.70+66T>C (NM_001329921.1, NM_001329924.2, NM_001329926.2 and 2 more transcripts); c.178+66T>C (NM_001329922.1).
Identifiers: ClinVar variation 678454 (VCV000678454.5), dbSNP rs3729760, ClinGen allele CA14677222.
Genomic context (GRCh38, chr19:46,608,406, plus strand): 5'-CCCCACAGAGCGCGTGGGCAGCCCTGCTCCTGGTCACCCCGAGTGACTGCAGGGAGCCTC[T>C]CTCAGGGTGATGGATGAGCCCGTGTCTCTCAGGGCCCAGGCCAAGAGCATTCTCCATCCT-3'

ClinVar aggregate classification (germline): Benign. Review status: criteria provided, multiple submitters, no conflicts (2 of 4 stars). 3 submissions from 3 submitters: Benign (3). Last evaluated 2021-07-14.

Conditions:
Long QT syndrome 16. Identifiers: MedGen C5394068, MONDO:0032915, OMIM 618782.

Allele frequency attached by ClinVar (database versions not stated): gnomAD exomes 0.69695; gnomAD 0.76459 and 0.76769; TOPMed 0.78199; 1000 Genomes Project 0.84645; 1000 Genomes Project 30x 0.84806.

Submissions (3):

Genome-Nilou Lab
Classification: Benign for Long QT syndrome 16. Last evaluated: 2021-07-14. Review status: criteria provided, single submitter. Criteria: ACMG Guidelines, 2015. Collection method: clinical testing. Allele origin: germline. Affected: no.

GeneDx
Classification: Benign. Last evaluated: 2018-06-14. Review status: criteria provided, single submitter. Criteria: GeneDx Variant Classification (06012015). Collection method: clinical testing. Allele origin: germline. Affected: yes.
Comment: This variant is considered likely benign or benign based on one or more of the following criteria: it is a conservative change, it occurs at a poorly conserved position in the protein, it is predicted to be benign by multiple in silico algorithms, and/or has population frequency not consistent with disease.

Breakthrough Genomics
Classification: Benign. Review status: criteria provided, single submitter. Criteria: ACMG Guidelines, 2015. Collection method: not provided. Allele origin: germline. Inheritance: Autosomal dominant inheritance. Affected: yes.